The following is an entry in ClinVar:

NM_000038.6(APC):c.878del (p.Ser293fs)

Gene: APC (APC regulator of Wnt signaling pathway; plus strand). Cytogenetic location: 5q22.2.
Variant type: Deletion.
Coding change: c.878del on transcript NM_000038.6 (MANE Select); coding-DNA position 878, one base deleted (G; older notation c.878delG).
Protein change: p.Ser293fs; shifts the reading frame from serine 293.
Molecular consequence: frameshift variant.
Genome position (GRCh38, 1-based): chr5:112,815,538, G deleted. VCF-style (leftmost placement, unchanged base first): chr5-112815537-AG-A. GRCh37 (hg19) VCF-style: chr5-112151234-AG-A.
Other names: c.878del, p.Ser293fs (NM_001127510.3, NM_001354895.2, NM_001354896.2 and 1 more transcripts); c.824del, p.Ser275fs (NM_001127511.3); c.908del, p.Ser303fs (NM_001354897.2, NM_001354902.2); c.803del, p.Ser268fs (NM_001354898.2, NM_001354904.2); c.794del, p.Ser265fs (NM_001354899.2); c.701del, p.Ser234fs (NM_001354900.2, NM_001354901.2, NM_001354905.2); c.29del, p.Ser10fs (NM_001354906.2); short protein forms S293fs, S275fs, S10fs, S234fs, S268fs, S303fs, S265fs.
Identifiers: ClinVar variation 641035 (VCV000641035.12), dbSNP rs1580511939, ClinGen allele CA915943468.

ClinVar aggregate classification (germline): Pathogenic/Likely pathogenic. Review status: criteria provided, multiple submitters, no conflicts (2 of 4 stars). 4 submissions from 4 submitters: Pathogenic (3); Likely pathogenic (1). Last evaluated 2025-11-07.

Conditions:
Familial adenomatous polyposis 1 (FAP1). Also called: POLYPOSIS, ADENOMATOUS INTESTINAL; FAMILIAL ADENOMATOUS POLYPOSIS 1, ATTENUATED. Identifiers: MedGen C2713442, MONDO:0021056, OMIM 175100. Disease mechanism: loss of function.
Hereditary cancer-predisposing syndrome. Also called: Neoplastic Syndromes, Hereditary; Tumor predisposition; Hereditary Cancer Syndrome; Hereditary neoplastic syndrome. Identifiers: Orphanet 140162, MedGen C0027672, MeSH D009386, MONDO:0015356.

Submissions (4):

Ambry Genetics
Classification: Pathogenic for Hereditary cancer-predisposing syndrome. Last evaluated: 2025-11-07. Review status: criteria provided, single submitter. Criteria: Ambry Variant Classification Scheme 2023. Collection method: clinical testing. Allele origin: germline.
Comment: The c.878delG pathogenic mutation, located in coding exon 8 of the APC gene, results from a deletion of one nucleotide at nucleotide position 878, causing a translational frameshift with a predicted alternate stop codon (p.S293Ifs*12). This variant is considered to be rare based on population cohorts in the Genome Aggregation Database (gnomAD). This alteration is expected to result in loss of function by premature protein truncation or nonsense-mediated mRNA decay. As such, this alteration is interpreted as a disease-causing mutation.

Baylor Genetics
Classification: Likely pathogenic for Familial adenomatous polyposis 1. Last evaluated: 2023-11-29. Review status: criteria provided, single submitter. Criteria: ACMG Guidelines, 2015. Collection method: clinical testing. Allele origin: unknown.

Myriad Genetics, Inc.
Classification: Pathogenic for Familial adenomatous polyposis 1. Last evaluated: 2023-04-27. Review status: criteria provided, single submitter. Criteria: Myriad Autosomal Dominant, Autosomal Recessive and X-Linked Classification Criteria (2023). Collection method: clinical testing. Allele origin: unknown.
Comment: This variant is considered pathogenic. This variant creates a frameshift predicted to result in premature protein truncation.

Labcorp Genetics (formerly Invitae), Labcorp
Classification: Pathogenic for Familial adenomatous polyposis 1. Last evaluated: 2021-08-17. Review status: criteria provided, single submitter. Criteria: Invitae Variant Classification Sherloc (09022015). Collection method: clinical testing. Allele origin: germline.
Comment: This variant has not been reported in the literature in individuals affected with APC-related conditions. This variant is not present in population databases (ExAC no frequency). This sequence change creates a premature translational stop signal (p.Ser293Ilefs*12) in the APC gene. It is expected to result in an absent or disrupted protein product. Loss-of-function variants in APC are known to be pathogenic (PMID: 17963004, 20685668). ClinVar contains an entry for this variant (Variation ID: 641035). For these reasons, this variant has been classified as Pathogenic.

Literature cited by the submitters: PubMed 18587328 (cited by Ambry Genetics); PubMed 17963004 (cited by Labcorp Genetics (formerly Invitae), Labcorp); PubMed 20685668 (cited by Labcorp Genetics (formerly Invitae), Labcorp).